The following is an entry in ClinVar:

NM_004385.5(VCAN):c.3536A>T (p.Asp1179Val)

Gene: VCAN (versican; plus strand). Cytogenetic location: 5q14.3.
Variant type: single nucleotide variant.
Coding change: c.3536A>T on transcript NM_004385.5 (MANE Select); coding-DNA position 3536, A replaced by T.
Protein change: p.Asp1179Val; replaces aspartic acid 1179 with valine.
Molecular consequence: missense variant. On other transcripts: intron variant (2).
Genome position (GRCh38, 1-based): chr5:83,521,842, A>T. VCF-style: chr5-83521842-A-T. GRCh37 (hg19) VCF-style: chr5-82817661-A-T.
Other names: c.3536A>T, p.Asp1179Val (NM_001164098.2); c.1042+9446A>T (NM_001164097.2, NM_001126336.3); short protein forms D1179V.
Identifiers: ClinVar variation 2108386 (VCV002108386.4), dbSNP rs760883103, ClinGen allele CA3333020.
Genomic context (GRCh38, chr5:83,521,842, plus strand): 5'-CCCACATTACCCAGCTTATGGAAGAAACCACTACTGAGAAAACATCCCTAGAGGATATTG[A>T]TTTAGGCTCAGGATTATTTGAAAAGCCCAAAGCCACAGAACTCATAGAATTTTCAACAAT-3'
Protein context (NP_004376.2, residues 1169-1189): TTEKTSLEDI[Asp1179Val]LGSGLFEKPK

ClinVar aggregate classification (germline): Uncertain significance (1 of 4 stars; one submission).

Allele frequency attached by ClinVar (database versions not stated): ExAC 0.00001.
gnomAD v4.1: 10 of 1,614,184 alleles (0.00062%); highest among the groups gnomAD compares: South Asian, 0.011%; no homozygotes.

Submission:

Labcorp Genetics (formerly Invitae), Labcorp
Classification: Uncertain significance. Last evaluated: 2022-10-31. Review status: criteria provided, single submitter. Criteria: Invitae Variant Classification Sherloc (09022015). Collection method: clinical testing. Allele origin: germline.
Comment: In summary, the available evidence is currently insufficient to determine the role of this variant in disease. Therefore, it has been classified as a Variant of Uncertain Significance. Algorithms developed to predict the effect of missense changes on protein structure and function (SIFT, PolyPhen-2, Align-GVGD) all suggest that this variant is likely to be disruptive. This variant has not been reported in the literature in individuals affected with VCAN-related conditions. This variant is not present in population databases (gnomAD no frequency). This sequence change replaces aspartic acid, which is acidic and polar, with valine, which is neutral and non-polar, at codon 1179 of the VCAN protein (p.Asp1179Val).